The following is an entry in ClinVar:

NM_021930.6(RINT1):c.1789A>C (p.Asn597His)

Gene: RINT1 (RAD50 interactor 1; plus strand). Cytogenetic location: 7q22.3.
Variant type: single nucleotide variant.
Coding change: c.1789A>C on transcript NM_021930.6 (MANE Select); coding-DNA position 1789, A replaced by C.
Protein change: p.Asn597His; replaces asparagine 597 with histidine.
Molecular consequence: missense variant. On other transcripts: non-coding transcript variant (1).
Genome position (GRCh38, 1-based): chr7:105,563,850, A>C. VCF-style: chr7-105563850-A-C. GRCh37 (hg19) VCF-style: chr7-105204297-A-C.
Other names: c.1555A>C, p.Asn519His (NM_001346599.2); c.766A>C, p.Asn256His (NM_001346600.2, NM_001346603.2); c.865A>C, p.Asn289His (NM_001346601.2); short protein forms N289H, N256H, N519H, N597H.
Identifiers: ClinVar variation 1780139 (VCV001780139.2), dbSNP rs2485175970, ClinGen allele CA368813923.

ClinVar aggregate classification (germline): Uncertain significance (1 of 4 stars; one submission).

Submission:

Ambry Genetics
Classification: Uncertain significance. Last evaluated: 2022-08-07. Review status: criteria provided, single submitter. Criteria: Ambry Variant Classification Scheme 2023. Collection method: clinical testing. Allele origin: germline.
Comment: The p.N597H variant (also known as c.1789A>C), located in coding exon 12 of the RINT1 gene, results from an A to C substitution at nucleotide position 1789. The asparagine at codon 597 is replaced by histidine, an amino acid with similar properties. This amino acid position is conserved. In addition, this alteration is predicted to be tolerated by in silico analysis. Since supporting evidence is limited at this time, the clinical significance of this alteration remains unclear.